The following is an entry in ClinVar:

ClinVar aggregate classification (germline): Uncertain significance. Review status: criteria provided, multiple submitters, no conflicts (2 of 4 stars). 3 submissions from 3 submitters: Uncertain significance (3). Last evaluated 2023-09-12.

Conditions:
Inborn genetic diseases. Identifiers: MedGen C0950123, MeSH D030342.
COG1 congenital disorder of glycosylation (CDG2G). Also called: CDG IIg; CDGII/COG1 CEREBROCOSTOMANDIBULAR-LIKE SYNDROME; CONGENITAL DISORDER OF GLYCOSYLATION, TYPE IIg. Identifiers: Orphanet 263508, MedGen C2931011, MONDO:0012637, OMIM 611209.

Allele frequency attached by ClinVar (database versions not stated): gnomAD exomes below 0.00001 and 0.00002; ExAC 0.00001; gnomAD 0.00003 and 0.00004; TOPMed 0.00003; ESP Exome Variant Server 0.00008.

Submissions (3):

Ambry Genetics
Classification: Uncertain significance for Inborn genetic diseases. Last evaluated: 2023-09-12. Review status: criteria provided, single submitter. Criteria: Ambry Variant Classification Scheme 2023. Collection method: clinical testing. Allele origin: germline.

Labcorp Genetics (formerly Invitae), Labcorp
Classification: Uncertain significance for COG1 congenital disorder of glycosylation. Last evaluated: 2021-07-24. Review status: criteria provided, single submitter. Criteria: Invitae Variant Classification Sherloc (09022015). Collection method: clinical testing. Allele origin: germline.
Comment: This sequence change replaces glutamic acid with glutamine at codon 219 of the COG1 protein (p.Glu219Gln). The glutamic acid residue is highly conserved and there is a small physicochemical difference between glutamic acid and glutamine. This variant is present in population databases (rs201963725, ExAC 0.001%). This variant has not been reported in the literature in individuals affected with COG1-related conditions. ClinVar contains an entry for this variant (Variation ID: 196490). Algorithms developed to predict the effect of missense changes on protein structure and function are either unavailable or do not agree on the potential impact of this missense change (SIFT: "Tolerated"; PolyPhen-2: "Probably Damaging"; Align-GVGD: "Class C0"). In summary, the available evidence is currently insufficient to determine the role of this variant in disease. Therefore, it has been classified as a Variant of Uncertain Significance.

Eurofins Ntd Llc (ga)
Classification: Uncertain significance. Last evaluated: 2014-12-02. Review status: criteria provided, single submitter. Criteria: EGL Classification Definitions 2015. Collection method: clinical testing. Allele origin: germline. Observed: 1 variant allele, 1 heterozygote.

NM_018714.3(COG1):c.655G>C (p.Glu219Gln)

Gene: COG1 (component of oligomeric golgi complex 1; plus strand). Cytogenetic location: 17q25.1.
Variant type: single nucleotide variant.
Coding change: c.655G>C on transcript NM_018714.3 (MANE Select); coding-DNA position 655, G replaced by C.
Protein change: p.Glu219Gln; replaces glutamic acid 219 with glutamine.
Molecular consequence: missense variant.
Genome position (GRCh38, 1-based): chr17:73,196,994, G>C. VCF-style: chr17-73196994-G-C. GRCh37 (hg19) VCF-style: chr17-71193133-G-C.
Other names: c.655G>C (NM_018714.2); short protein forms E219Q.
Identifiers: ClinVar variation 196490 (VCV000196490.12), dbSNP rs201963725, ClinGen allele CA243458.